The following is an entry in ClinVar:

NM_002351.5(SH2D1A):c.23A>G (p.His8Arg)

Gene: SH2D1A (SH2 domain containing 1A; plus strand). Cytogenetic location: Xq25.
Variant type: single nucleotide variant.
Coding change: c.23A>G on transcript NM_002351.5 (MANE Select); coding-DNA position 23, A replaced by G.
Protein change: p.His8Arg; replaces histidine 8 with arginine.
Molecular consequence: missense variant.
Genome position (GRCh38, 1-based): chrX:124,346,665, A>G. VCF-style: chrX-124346665-A-G. GRCh37 (hg19) VCF-style: chrX-123480515-A-G.
Other names: c.23A>G, p.His8Arg (NM_001114937.3); short protein forms H8R.
Identifiers: ClinVar variation 3664259 (VCV003664259.2).

ClinVar aggregate classification (germline): Uncertain significance (1 of 4 stars; one submission).

Conditions:
X-linked lymphoproliferative disease due to SH2D1A deficiency (XLP1). Also called: SH2D1A-Related Lymphoproliferative Disease, X-Linked; DUNCAN DISEASE; IMMUNODEFICIENCY 5; IMMUNODEFICIENCY, X-LINKED PROGRESSIVE COMBINED VARIABLE; INFECTIOUS MONONUCLEOSIS, SEVERE, SUSCEPTIBILITY TO; PURTILO SYNDROME. Identifiers: Orphanet 2442, Orphanet 538931, MedGen C5399825, MONDO:0024551, OMIM 308240.

Submission:

Labcorp Genetics (formerly Invitae), Labcorp
Classification: Uncertain significance for X-linked lymphoproliferative disease due to SH2D1A deficiency. Last evaluated: 2025-08-24. Review status: criteria provided, single submitter. Criteria: Invitae Variant Classification Sherloc (09022015). Collection method: clinical testing. Allele origin: germline.
Comment: This sequence change replaces histidine, which is basic and polar, with arginine, which is basic and polar, at codon 8 of the SH2D1A protein (p.His8Arg). This variant is not present in population databases (gnomAD no frequency). This missense change has been observed in individual(s) with clinical features of SH2D1A-related conditions (internal data). ClinVar contains an entry for this variant (Variation ID: 3664259). An algorithm developed to predict the effect of missense changes on protein structure and function (PolyPhen-2) suggests that this variant is likely to be disruptive. This variant disrupts the p.His8 amino acid residue in SH2D1A. Other variant(s) that disrupt this residue have been observed in individuals with SH2D1A-related conditions (PMID: 15682426, 16328363; internal data), which suggests that this may be a clinically significant amino acid residue. In summary, the available evidence is currently insufficient to determine the role of this variant in disease. Therefore, it has been classified as a Variant of Uncertain Significance.

Literature cited by the submitters: PubMed 15682426; PubMed 16328363.